The following is an entry in ClinVar:

ClinVar aggregate classification (germline): Pathogenic/Likely pathogenic. Review status: criteria provided, multiple submitters, no conflicts (2 of 4 stars). 2 submissions from 2 submitters: Pathogenic (1); Likely pathogenic (1). Last evaluated 2022-01-01.

Conditions:
Hyper-IgM syndrome type 1. Also called: Immunodeficiency, X-linked, with hyper-IgM; Hyper-IgM Immunodeficiency Syndrome, Type 1; X-linked hyper-IgM syndrome; CD40 Ligand Deficiency. Identifiers: Orphanet 101088, MedGen C0398689, MONDO:0010626, OMIM 308230.

Submissions (2):

CeGaT Center for Human Genetics Tuebingen
Classification: Likely pathogenic. Last evaluated: 2022-01-01. Review status: criteria provided, single submitter. Criteria: CeGaT Center For Human Genetics Tuebingen Variant Classification Criteria Version 2. Collection method: clinical testing. Allele origin: germline. Affected: yes. Observed: 1 variant allele.

Labcorp Genetics (formerly Invitae), Labcorp
Classification: Pathogenic for Hyper-IgM syndrome type 1. Last evaluated: 2021-04-19. Review status: criteria provided, single submitter. Criteria: Invitae Variant Classification Sherloc (09022015). Collection method: clinical testing. Allele origin: germline.
Comment: For these reasons, this variant has been classified as Pathogenic. Nucleotide substitutions within the consensus splice site are a relatively common cause of aberrant splicing (PMID: 17576681, 9536098). Experimental studies have shown that this variant disrupts mRNA splicing (PMID: 8550833, 9746782). This variant has been observed in individual(s) with hyper IgM syndrome (PMID: 8550833, 9746782). This variant is also known as c.367+5G>A in the literature. This variant is not present in population databases (ExAC no frequency). This sequence change falls in intron 3 of the CD40LG gene. It does not directly change the encoded amino acid sequence of the CD40LG protein, but it affects a nucleotide within the consensus splice site of the intron.

Literature cited by the submitters: PubMed 17576681 (cited by Labcorp Genetics (formerly Invitae), Labcorp); PubMed 9536098 (cited by Labcorp Genetics (formerly Invitae), Labcorp); PubMed 8550833 (cited by Labcorp Genetics (formerly Invitae), Labcorp); PubMed 9746782 (cited by Labcorp Genetics (formerly Invitae), Labcorp).

NM_000074.3(CD40LG):c.346+5G>A

Gene: CD40LG (CD40 ligand; plus strand). Cytogenetic location: Xq26.3.
Variant type: single nucleotide variant.
Coding change: c.346+5G>A on transcript NM_000074.3 (MANE Select); 5 bases into the intron after coding-DNA position 346, G replaced by A.
Molecular consequence: intron variant.
Genome position (GRCh38, 1-based): chrX:136,654,435, G>A. VCF-style: chrX-136654435-G-A. GRCh37 (hg19) VCF-style: chrX-135736594-G-A.
Identifiers: ClinVar variation 1070421 (VCV001070421.40), dbSNP rs2148552412, ClinGen allele CA2499226385.